The following is an entry in ClinVar:

ClinVar aggregate classification (germline): Pathogenic (1 of 4 stars; one submission).

Submission:

Labcorp Genetics (formerly Invitae), Labcorp
Classification: Pathogenic. Last evaluated: 2024-04-05. Review status: criteria provided, single submitter. Criteria: Invitae Variant Classification Sherloc (09022015). Collection method: clinical testing. Allele origin: germline.
Comment: This sequence change affects an acceptor splice site in intron 35 of the COL2A1 gene. It is expected to disrupt RNA splicing. Variants that disrupt the donor or acceptor splice site typically lead to a loss of protein function (PMID: 16199547), and loss-of-function variants in COL2A1 are known to be pathogenic (PMID: 20179744). This variant is not present in population databases (gnomAD no frequency). Disruption of this splice site has been observed in individual(s) with clinical features of Stickler syndrome (PMID: 32756486; Invitae). ClinVar contains an entry for this variant (Variation ID: 1067287). Algorithms developed to predict the effect of sequence changes on RNA splicing suggest that this variant may disrupt the consensus splice site. For these reasons, this variant has been classified as Pathogenic.

Literature cited by the submitters: PubMed 16199547; PubMed 20179744; PubMed 32756486.

NM_001844.5(COL2A1):c.2356-1G>A

Gene: COL2A1 (collagen type II alpha 1 chain; minus strand). Cytogenetic location: 12q13.11.
Variant type: single nucleotide variant.
Coding change: c.2356-1G>A on transcript NM_001844.5 (MANE Select); the canonical splice acceptor site of the intron before coding-DNA position 2356, G replaced by A.
Molecular consequence: splice acceptor variant.
Genome position (GRCh38, 1-based): chr12:47,981,830, C>T on the plus strand (G>A on the coding strand, the complement: COL2A1 is on the minus strand). VCF-style: chr12-47981830-C-T. GRCh37 (hg19) VCF-style: chr12-48375613-C-T.
Other names: c.2149-1G>A (NM_033150.3).
Identifiers: ClinVar variation 1067287 (VCV001067287.9), dbSNP rs1341401004, ClinGen allele CA384545588.